The following is an entry in ClinVar:

ClinVar aggregate classification (germline): Uncertain significance. Review status: criteria provided, multiple submitters, no conflicts (2 of 4 stars). 4 submissions from 4 submitters: Uncertain significance (4). Last evaluated 2025-08-30.

Conditions:
Cone-rod dystrophy 13 (CORD13). Identifiers: Orphanet 1872, MedGen C2750720, MONDO:0011987, OMIM 608194.
Leber congenital amaurosis 6 (LCA6). Identifiers: Orphanet 65, MedGen C1854260, MONDO:0013446, OMIM 613826.
Inborn genetic diseases. Identifiers: MedGen C0950123, MeSH D030342.

Allele frequency attached by ClinVar (database versions not stated): gnomAD exomes below 0.00001; TOPMed 0.00001; ExAC 0.00002; ESP Exome Variant Server 0.00008.
gnomAD v4.1: 2 of 1,613,846 alleles (0.00012%); highest among the groups gnomAD compares: Non-Finnish European, 0.00017%; no homozygotes.

Submissions (4):

Ambry Genetics
Classification: Uncertain significance for Inborn genetic diseases. Last evaluated: 2025-08-30. Review status: criteria provided, single submitter. Criteria: Ambry Variant Classification Scheme 2023. Collection method: clinical testing. Allele origin: germline.

Labcorp Genetics (formerly Invitae), Labcorp
Classification: Uncertain significance for Leber congenital amaurosis 6; Cone-rod dystrophy 13. Last evaluated: 2024-11-04. Review status: criteria provided, single submitter. Criteria: Invitae Variant Classification Sherloc (09022015). Collection method: clinical testing. Allele origin: germline.
Comment: This sequence change replaces glutamic acid, which is acidic and polar, with lysine, which is basic and polar, at codon 804 of the RPGRIP1 protein (p.Glu804Lys). This variant is present in population databases (rs367869842, gnomAD 0.003%). This variant has not been reported in the literature in individuals affected with RPGRIP1-related conditions. ClinVar contains an entry for this variant (Variation ID: 2154362). Invitae Evidence Modeling of protein sequence and biophysical properties (such as structural, functional, and spatial information, amino acid conservation, physicochemical variation, residue mobility, and thermodynamic stability) indicates that this missense variant is expected to disrupt RPGRIP1 protein function with a positive predictive value of 80%. In summary, the available evidence is currently insufficient to determine the role of this variant in disease. Therefore, it has been classified as a Variant of Uncertain Significance.

Department of Pathology and Laboratory Medicine, Sinai Health System
Classification: Uncertain significance for Cone-rod dystrophy 13; Leber congenital amaurosis 6. Last evaluated: 2021-11-23. Review status: criteria provided, single submitter. Criteria: ACMG Guidelines, 2015. Collection method: research. Allele origin: germline.

Blueprint Genetics
Classification: Uncertain significance. Last evaluated: 2018-08-22. Review status: criteria provided, single submitter. Criteria: ACMG Guidelines, 2015. Collection method: clinical testing. Allele origin: germline.

NM_020366.4(RPGRIP1):c.2410G>A (p.Glu804Lys)

Gene: RPGRIP1 (RPGR interacting protein 1; plus strand). Cytogenetic location: 14q11.2.
Variant type: single nucleotide variant.
Coding change: c.2410G>A on transcript NM_020366.4 (MANE Select); coding-DNA position 2410, G replaced by A.
Protein change: p.Glu804Lys; replaces glutamic acid 804 with lysine.
Molecular consequence: missense variant. On other transcripts: intron variant (4).
Genome position (GRCh38, 1-based): chr14:21,325,873, G>A. VCF-style: chr14-21325873-G-A. GRCh37 (hg19) VCF-style: chr14-21794032-G-A.
Other names: c.1336G>A, p.Glu446Lys (NM_001377948.1); c.796+1148G>A (NM_001377949.1); c.689-1750G>A (NM_001377523.1, NM_001377950.1); c.191-1750G>A (NM_001377951.1); c.2410G>A (NM_020366.3); short protein forms E446K, E804K.
Identifiers: ClinVar variation 2154362 (VCV002154362.7), dbSNP rs367869842, ClinGen allele CA7089254.